The following is an entry in ClinVar:

ClinVar aggregate classification (germline): Pathogenic. Review status: criteria provided, multiple submitters, no conflicts (2 of 4 stars). 4 submissions from 4 submitters: Pathogenic (4). Last evaluated 2025-06-28.

Conditions:
Tyrosinemia type I (TYRSN1). Also called: HEPATORENAL TYROSINEMIA; FAH DEFICIENCY; Tyrosinemia type 1; Fumarylacetoacetase deficiency; Deficiency of fumarylacetoacetase. Identifiers: Orphanet 882, MedGen C0268490, MONDO:0010161, OMIM 276700. Disease mechanism: loss of function.

Allele frequency attached by ClinVar (database versions not stated): gnomAD exomes below 0.00001.

Submissions (4):

Immunogenetics and Transplant Biology Service, University Hospital "Città della Salute e della Scienza di Torino"
Classification: Pathogenic for Tyrosinemia type I. Last evaluated: 2025-06-28. Review status: criteria provided, single submitter. Criteria: ACMG Guidelines, 2015. Collection method: clinical testing. Allele origin: germline. Affected: yes.

Revvity Omics, Revvity
Classification: Pathogenic for Tyrosinemia type I. Last evaluated: 2024-12-09. Review status: criteria provided, single submitter. Criteria: ACMG Guidelines, 2015. Collection method: clinical testing. Allele origin: germline.

Labcorp Genetics (formerly Invitae), Labcorp
Classification: Pathogenic for Tyrosinemia type I. Last evaluated: 2024-01-02. Review status: criteria provided, single submitter. Criteria: Invitae Variant Classification Sherloc (09022015). Collection method: clinical testing. Allele origin: germline.
Comment: This sequence change creates a premature translational stop signal (p.Gln64Argfs*28) in the FAH gene. It is expected to result in an absent or disrupted protein product. Loss-of-function variants in FAH are known to be pathogenic (PMID: 9101289, 9633815). This variant is not present in population databases (gnomAD no frequency). This premature translational stop signal has been observed in individual(s) with tyrosinemia type I (PMID: 23430822). ClinVar contains an entry for this variant (Variation ID: 1453896). Algorithms developed to predict the effect of sequence changes on RNA splicing suggest that this variant may disrupt the consensus splice site. For these reasons, this variant has been classified as Pathogenic.

Fulgent Genetics
Classification: Pathogenic for Tyrosinemia type I. Last evaluated: 2021-09-14. Review status: criteria provided, single submitter. Criteria: ACMG Guidelines, 2015. Collection method: clinical testing. Allele origin: unknown.

Literature cited by the submitters: PubMed 9101289 (cited by Labcorp Genetics (formerly Invitae), Labcorp); PubMed 9633815 (cited by Labcorp Genetics (formerly Invitae), Labcorp); PubMed 23430822 (cited by Labcorp Genetics (formerly Invitae), Labcorp).

NM_000137.4(FAH):c.191del (p.Gln64fs)

Gene: FAH (fumarylacetoacetate hydrolase; plus strand). Cytogenetic location: 15q25.1.
Variant type: Deletion.
Coding change: c.191del on transcript NM_000137.4 (MANE Select); coding-DNA position 191, one base deleted (A; older notation c.191delA).
Protein change: p.Gln64fs; shifts the reading frame from glutamine 64.
Molecular consequence: frameshift variant.
Genome position (GRCh38, 1-based): chr15:80,158,169, A deleted. VCF-style (leftmost placement, unchanged base first): chr15-80158168-CA-C. GRCh37 (hg19) VCF-style: chr15-80450510-CA-C.
Other names: c.191del (NM_000137.3); c.191del, p.Gln64fs (NM_001374377.1, NM_001374380.1); short protein forms Q64fs.
Identifiers: ClinVar variation 1453896 (VCV001453896.11), dbSNP rs2142090831, ClinGen allele CA2573151205.
Genomic context (GRCh38, chr15:80,158,168, plus strand): 5'-AGCATCATCAAGCACCTCTTTACTGGTCCTGTCCTCTCCAAACACCAGGATGTCTTCAAT[CA>C]GGTAGGACATTGTGAAACGACTTGTCCCTGACCTCAGTGGCACTTACTGTGGATGCCAAC-3'